The following is an entry in ClinVar:

ClinVar aggregate classification (germline): Conflicting classifications of pathogenicity. Review status: criteria provided, conflicting classifications (1 of 4 stars). 3 submissions from 3 submitters: Likely pathogenic (1); Uncertain significance (2). Last evaluated 2023-05-23.

Conditions:
Charcot-Marie-Tooth disease axonal type 2C (HMSN2C). Also called: Charcot-Marie-Tooth Disease Type 2, TRPV4-Related (CMT2C); CHARCOT-MARIE-TOOTH DISEASE, AXONAL, AUTOSOMAL DOMINANT, TYPE 2C; Charcot-Marie-Tooth Neuropathy Type 2C. Identifiers: Orphanet 99937, MedGen C1853710, MONDO:0011633, OMIM 606071.

Allele frequency attached by ClinVar (database versions not stated): ExAC 0.00001; gnomAD exomes 0.00001; TOPMed 0.00002.
gnomAD v4.1: 7 of 1,614,100 alleles (0.00043%); highest among the groups gnomAD compares: Middle Eastern, 0.016%; no homozygotes.

Submissions (3):

Blueprint Genetics
Classification: Uncertain significance. Last evaluated: 2023-05-23. Review status: criteria provided, single submitter. Criteria: ACMG Guidelines, 2015. Collection method: clinical testing. Allele origin: germline.

Labcorp Genetics (formerly Invitae), Labcorp
Classification: Uncertain significance for Charcot-Marie-Tooth disease axonal type 2C. Last evaluated: 2022-09-19. Review status: criteria provided, single submitter. Criteria: Invitae Variant Classification Sherloc (09022015). Collection method: clinical testing. Allele origin: germline.
Comment: Advanced modeling of protein sequence and biophysical properties (such as structural, functional, and spatial information, amino acid conservation, physicochemical variation, residue mobility, and thermodynamic stability) has been performed at Invitae for this missense variant, however the output from this modeling did not meet the statistical confidence thresholds required to predict the impact of this variant on TRPV4 protein function. In summary, the available evidence is currently insufficient to determine the role of this variant in disease. Therefore, it has been classified as a Variant of Uncertain Significance. Algorithms developed to predict the effect of sequence changes on RNA splicing suggest that this variant may create or strengthen a splice site. ClinVar contains an entry for this variant (Variation ID: 576802). This missense change has been observed in individual(s) with clinical features of TRPV4-related conditions (PMID: 31407473). The frequency data for this variant in the population databases is considered unreliable, as metrics indicate poor data quality at this position in the gnomAD database. This sequence change replaces alanine, which is neutral and non-polar, with valine, which is neutral and non-polar, at codon 312 of the TRPV4 protein (p.Ala312Val).

Institute of Human Genetics Munich, TUM University Hospital
Classification: Likely pathogenic for Charcot-Marie-Tooth disease axonal type 2C. Last evaluated: 2020-01-16. Review status: criteria provided, single submitter. Criteria: Classification criteria August 2017. Collection method: clinical testing. Allele origin: germline. Inheritance: Autosomal dominant inheritance. Affected: yes. Observed: 1 heterozygote.

Literature cited by the submitters: PubMed 31407473 (cited by Labcorp Genetics (formerly Invitae), Labcorp).

NM_021625.5(TRPV4):c.935C>T (p.Ala312Val)

Gene: TRPV4 (transient receptor potential cation channel subfamily V member 4; minus strand). Cytogenetic location: 12q24.11.
Variant type: single nucleotide variant.
Coding change: c.935C>T on transcript NM_021625.5 (MANE Select); coding-DNA position 935, C replaced by T.
Protein change: p.Ala312Val; replaces alanine 312 with valine.
Molecular consequence: missense variant.
Genome position (GRCh38, 1-based): chr12:109,798,831, G>A on the plus strand (C>T on the coding strand, the complement: TRPV4 is on the minus strand). VCF-style: chr12-109798831-G-A. GRCh37 (hg19) VCF-style: chr12-110236636-G-A.
Other names: c.794C>T, p.Ala265Val (NM_001177428.2, NM_001177433.2); c.833C>T, p.Ala278Val (NM_001177431.2); c.935C>T, p.Ala312Val (NM_147204.3); short protein forms A312V, A265V, A278V.
Identifiers: ClinVar variation 576802 (VCV000576802.15), dbSNP rs751139506, ClinGen allele CA6780385.